The following is an entry in ClinVar:

ClinVar aggregate classification (germline): Pathogenic (1 of 4 stars; one submission).

Submission:

Labcorp Genetics (formerly Invitae), Labcorp
Classification: Pathogenic. Last evaluated: 2019-07-17. Review status: criteria provided, single submitter. Criteria: Invitae Variant Classification Sherloc (09022015). Collection method: clinical testing. Allele origin: germline.
Comment: This sequence change creates a premature translational stop signal (p.Ser1316Alafs*84) in the MYO7A gene. It is expected to result in an absent or disrupted protein product. This variant is not present in population databases (ExAC no frequency). This variant has not been reported in the literature in individuals with MYO7A-related conditions. Loss-of-function variants in MYO7A are known to be pathogenic (PMID: 8900236, 25404053). For these reasons, this variant has been classified as Pathogenic.

Literature cited by the submitters: PubMed 8900236; PubMed 25404053.

NM_000260.4(MYO7A):c.3944_3945dup (p.Ser1316fs)

Gene: MYO7A (myosin VIIA; plus strand). Cytogenetic location: 11q13.5.
Variant type: Duplication.
Coding change: c.3944_3945dup on transcript NM_000260.4 (MANE Select); coding-DNA positions 3944 to 3945, 2 bases duplicated (GC; older notation c.3944_3945dupGC).
Protein change: p.Ser1316fs; shifts the reading frame from serine 1316.
Molecular consequence: frameshift variant.
Genome position (GRCh38, 1-based): chr11:77,192,070-77,192,071, GC duplicated. VCF-style (leftmost placement, unchanged base first): chr11-77192069-G-GGC. GRCh37 (hg19) VCF-style: chr11-76903114-G-GGC.
Other names: c.3944_3945dup, p.Ser1316fs (NM_001127180.2); c.3911_3912dup, p.Ser1305fs (NM_001369365.1); short protein forms S1305fs, S1316fs.
Identifiers: ClinVar variation 953741 (VCV000953741.7), dbSNP rs1956125716, ClinGen allele CA1139662090.